The following is an entry in ClinVar:

ClinVar aggregate classification (germline): Conflicting classifications of pathogenicity. Review status: criteria provided, conflicting classifications (1 of 4 stars). 2 submissions from 2 submitters: Uncertain significance (1); Likely benign (1). Last evaluated 2025-12-20.

Conditions:
Hereditary cancer-predisposing syndrome. Also called: Hereditary neoplastic syndrome; Neoplastic Syndromes, Hereditary; Tumor predisposition; Hereditary Cancer Syndrome. Identifiers: Orphanet 140162, MedGen C0027672, MeSH D009386, MONDO:0015356.
Tuberous sclerosis 2 (TSC2). Identifiers: Orphanet 805, MedGen C1860707, MONDO:0013199, OMIM 613254.

Submissions (2):

Ambry Genetics
Classification: Likely benign for Hereditary cancer-predisposing syndrome. Last evaluated: 2025-12-20. Review status: criteria provided, single submitter. Criteria: Ambry Variant Classification Scheme 2023. Collection method: clinical testing. Allele origin: germline.

Labcorp Genetics (formerly Invitae), Labcorp
Classification: Uncertain significance for Tuberous sclerosis 2. Last evaluated: 2024-08-12. Review status: criteria provided, single submitter. Criteria: Invitae Variant Classification Sherloc (09022015). Collection method: clinical testing. Allele origin: germline.
Comment: This sequence change replaces valine, which is neutral and non-polar, with alanine, which is neutral and non-polar, at codon 1414 of the TSC2 protein (p.Val1414Ala). This variant is not present in population databases (gnomAD no frequency). This variant has not been reported in the literature in individuals affected with TSC2-related conditions. ClinVar contains an entry for this variant (Variation ID: 2164386). Advanced modeling of protein sequence and biophysical properties (such as structural, functional, and spatial information, amino acid conservation, physicochemical variation, residue mobility, and thermodynamic stability) performed at Invitae indicates that this missense variant is not expected to disrupt TSC2 protein function with a negative predictive value of 95%. RNA analysis performed to evaluate the impact of this missense change on mRNA splicing indicates it does not significantly alter splicing (Invitae). In summary, the available evidence is currently insufficient to determine the role of this variant in disease. Therefore, it has been classified as a Variant of Uncertain Significance.

NM_000548.5(TSC2):c.4241T>C (p.Val1414Ala)

Gene: TSC2 (TSC complex subunit 2; plus strand). Cytogenetic location: 16p13.3.
Variant type: single nucleotide variant.
Coding change: c.4241T>C on transcript NM_000548.5 (MANE Select); coding-DNA position 4241, T replaced by C.
Protein change: p.Val1414Ala; replaces valine 1414 with alanine.
Molecular consequence: missense variant.
Genome position (GRCh38, 1-based): chr16:2,084,463, T>C. VCF-style: chr16-2084463-T-C. GRCh37 (hg19) VCF-style: chr16-2134464-T-C.
Other names: c.4040T>C, p.Val1347Ala (NM_001077183.3); c.4172T>C, p.Val1391Ala (NM_001114382.3); c.3932T>C, p.Val1311Ala (NM_001318827.2); c.3896T>C, p.Val1299Ala (NM_001318829.2); c.3509T>C, p.Val1170Ala (NM_001318831.2); c.4073T>C, p.Val1358Ala (NM_001318832.2); c.4043T>C, p.Val1348Ala (NM_001363528.2); c.4109T>C, p.Val1370Ala (NM_001370404.1); and 26 more; short protein forms V1147A, V1170A, V1194A, V1298A, V1311A, V1341A, V1358A, V1371A.
Identifiers: ClinVar variation 2164386 (VCV002164386.5), dbSNP rs2151528990, ClinGen allele CA394300366.